The following is an entry in ClinVar:

ClinVar aggregate classification (germline): Likely benign. Review status: criteria provided, multiple submitters, no conflicts (2 of 4 stars). 2 submissions from 2 submitters: Likely benign (2). Last evaluated 2025-06-03.

Conditions:
Niemann-Pick disease, type C1. Also called: NIEMANN-PICK DISEASE, VARIANT TYPE C1; NEUROVISCERAL STORAGE DISEASE WITH VERTICAL SUPRANUCLEAR OPHTHALMOPLEGIA; NIEMANN-PICK DISEASE WITH CHOLESTEROL ESTERIFICATION BLOCK; NIEMANN-PICK DISEASE WITHOUT SPHINGOMYELINASE DEFICIENCY; NIEMANN-PICK DISEASE, CHRONIC NEURONOPATHIC FORM. Identifiers: Orphanet 646, MedGen C3179455, MONDO:0009757, OMIM 257220.
NPC1-related disorder. Also called: NPC1-related condition.

gnomAD v4.1: 41 of 1,401,990 alleles (0.0029%); highest among the groups gnomAD compares: South Asian, 0.0058%; 3 homozygotes.

Submissions (2):

Labcorp Genetics (formerly Invitae), Labcorp
Classification: Likely benign for Niemann-Pick disease, type C1. Last evaluated: 2025-06-03. Review status: criteria provided, single submitter. Criteria: Invitae Variant Classification Sherloc (09022015). Collection method: clinical testing. Allele origin: germline.

PreventionGenetics, part of Exact Sciences
Classification: Likely benign for NPC1-related condition. Last evaluated: 2025-05-28. Review status: criteria provided, single submitter. Criteria: ACMG Guidelines, 2015. Collection method: clinical testing. Allele origin: germline.
Comment: This variant is classified as likely benign based on ACMG/AMP sequence variant interpretation guidelines (Richards et al. 2015 PMID: 25741868, with internal and published modifications).

NM_000271.5(NPC1):c.1947+11G>C

Gene: NPC1 (NPC intracellular cholesterol transporter 1; minus strand). Cytogenetic location: 18q11.2.
Variant type: single nucleotide variant.
Coding change: c.1947+11G>C on transcript NM_000271.5 (MANE Select); 11 bases into the intron after coding-DNA position 1947, G replaced by C.
Molecular consequence: intron variant.
Genome position (GRCh38, 1-based): chr18:23,544,949, C>G on the plus strand (G>C on the coding strand, the complement: NPC1 is on the minus strand). VCF-style: chr18-23544949-C-G. GRCh37 (hg19) VCF-style: chr18-21124913-C-G.
Other names: c.1947+11G>C (NM_000271.4).
Identifiers: ClinVar variation 1585897 (VCV001585897.9), dbSNP rs747957171, ClinGen allele CA297060421.